The following is an entry in ClinVar:

ClinVar aggregate classification (germline): Uncertain significance (1 of 4 stars; one submission).

Submission:

Labcorp Genetics (formerly Invitae), Labcorp
Classification: Uncertain significance. Last evaluated: 2026-01-26. Review status: criteria provided, single submitter. Criteria: Invitae Variant Classification Sherloc (09022015). Collection method: clinical testing. Allele origin: germline.
Comment: This sequence change replaces aspartic acid, which is acidic and polar, with asparagine, which is neutral and polar, at codon 350 of the RIMS1 protein (p.Asp350Asn). This variant is not present in population databases (gnomAD no frequency). This variant has not been reported in the literature in individuals affected with RIMS1-related conditions. An algorithm developed to predict the effect of missense changes on protein structure and function (PolyPhen-2) suggests that this variant is likely to be tolerated. In summary, the available evidence is currently insufficient to determine the role of this variant in disease. Therefore, it has been classified as a Variant of Uncertain Significance.

NM_014989.7(RIMS1):c.1048G>A (p.Asp350Asn)

Gene: RIMS1 (regulating synaptic membrane exocytosis 1; plus strand). Cytogenetic location: 6q13.
Variant type: single nucleotide variant.
Coding change: c.1048G>A on transcript NM_014989.7 (MANE Select); coding-DNA position 1048, G replaced by A.
Protein change: p.Asp350Asn; replaces aspartic acid 350 with asparagine.
Molecular consequence: missense variant.
Genome position (GRCh38, 1-based): chr6:72,182,519, G>A. VCF-style: chr6-72182519-G-A. GRCh37 (hg19) VCF-style: chr6-72892222-G-A.
Other names: short protein forms D350N.
Identifiers: ClinVar variation 4735966 (VCV004735966.1).